The following is an entry in ClinVar:

NM_012203.2(GRHPR):c.516_532dup (p.Gln178fs)

Gene: GRHPR (glyoxylate and hydroxypyruvate reductase; plus strand). Cytogenetic location: 9p13.2.
Variant type: Duplication.
Coding change: c.516_532dup on transcript NM_012203.2 (MANE Select); coding-DNA positions 516 to 532, 17 bases duplicated (GAAACCATTCGGTGTCC).
Protein change: p.Gln178fs; shifts the reading frame from glutamine 178.
Molecular consequence: frameshift variant.
Genome position (GRCh38, 1-based): chr9:37,429,754-37,429,770, GAAACCATTCGGTGTCC duplicated. VCF-style (leftmost placement, unchanged base first): chr9-37429753-T-TGAAACCATTCGGTGTCC. GRCh37 (hg19) VCF-style: chr9-37429750-T-TGAAACCATTCGGTGTCC.
Other names: short protein forms Q178fs.
Identifiers: ClinVar variation 2088287 (VCV002088287.5), dbSNP rs2489243051, ClinGen allele CA2580080520.

ClinVar aggregate classification (germline): Pathogenic/Likely pathogenic. Review status: criteria provided, multiple submitters, no conflicts (2 of 4 stars). 2 submissions from 2 submitters: Pathogenic (1); Likely pathogenic (1). Last evaluated 2023-12-29.

Conditions:
Primary hyperoxaluria, type II (HP2). Also called: OXALOSIS II; D-GLYCERATE DEHYDROGENASE DEFICIENCY; GLYCERIC ACIDURIA; GLYOXYLATE REDUCTASE/HYDROXYPYRUVATE REDUCTASE DEFICIENCY; Primary hyperoxaluria type 2. Identifiers: Orphanet 416, Orphanet 93599, MedGen C0268165, MONDO:0009824, OMIM 260000. Disease mechanism: loss of function.

Submissions (2):

Fulgent Genetics
Classification: Likely pathogenic for Primary hyperoxaluria, type II. Last evaluated: 2023-12-29. Review status: criteria provided, single submitter. Criteria: ACMG Guidelines, 2015. Collection method: clinical testing. Allele origin: germline.

Labcorp Genetics (formerly Invitae), Labcorp
Classification: Pathogenic. Last evaluated: 2022-09-16. Review status: criteria provided, single submitter. Criteria: Invitae Variant Classification Sherloc (09022015). Collection method: clinical testing. Allele origin: germline.
Comment: For these reasons, this variant has been classified as Pathogenic. This variant has not been reported in the literature in individuals affected with GRHPR-related conditions. This variant is not present in population databases (gnomAD no frequency). This sequence change creates a premature translational stop signal (p.Gln178Argfs*47) in the GRHPR gene. It is expected to result in an absent or disrupted protein product. Loss-of-function variants in GRHPR are known to be pathogenic (PMID: 25644115).

Literature cited by the submitters: PubMed 25644115 (cited by Labcorp Genetics (formerly Invitae), Labcorp).